The following is an entry in ClinVar:

ClinVar aggregate classification (germline): Likely benign. Review status: criteria provided, single submitter (1 of 4 stars). 2 submissions from 2 submitters: Likely benign (1). 1 of the submissions does not count toward it. Last evaluated 2026-04-01.

Conditions:
SPEN-related disorder. Also called: SPEN-related condition.

Allele frequency attached by ClinVar (database versions not stated): 1000 Genomes Project 30x 0.00016; 1000 Genomes Project 0.00020; TOPMed 0.00021; ESP Exome Variant Server 0.00023; gnomAD exomes 0.00085; gnomAD 0.00135; ExAC 0.00186.
gnomAD v4.1: 1,453 of 1,613,986 alleles (0.09%); highest among the groups gnomAD compares: Non-Finnish European, 0.038%; 6 homozygotes.

Submissions (2):

CeGaT Center for Human Genetics Tuebingen
Classification: Likely benign. Last evaluated: 2026-04-01. Review status: criteria provided, single submitter. Criteria: CeGaT Center For Human Genetics Tuebingen Variant Classification Criteria Version 2. Collection method: clinical testing. Allele origin: germline. Affected: yes. Observed: 4 variant alleles.
Comment: SPEN: BS1

PreventionGenetics, part of Exact Sciences
Classification: Benign for SPEN-related condition. Last evaluated: 2019-05-28. Review status: no assertion criteria provided. Collection method: clinical testing. Allele origin: germline. Not counted in ClinVar's aggregate classification.
Comment: This variant is classified as benign based on ACMG/AMP sequence variant interpretation guidelines (Richards et al. 2015 PMID: 25741868, with internal and published modifications).

NM_015001.3(SPEN):c.8869A>G (p.Asn2957Asp)

Gene: SPEN (spen family transcriptional repressor; plus strand). Cytogenetic location: 1p36.13.
Variant type: single nucleotide variant.
Coding change: c.8869A>G on transcript NM_015001.3 (MANE Select); coding-DNA position 8869, A replaced by G.
Protein change: p.Asn2957Asp; replaces asparagine 2957 with aspartic acid.
Molecular consequence: missense variant.
Genome position (GRCh38, 1-based): chr1:15,935,109, A>G. VCF-style: chr1-15935109-A-G. GRCh37 (hg19) VCF-style: chr1-16261604-A-G.
Other names: c.8869A>G (NM_015001.2); short protein forms N2957D.
Identifiers: ClinVar variation 2672324 (VCV002672324.24), dbSNP rs143081088, ClinGen allele CA620355.
Genomic context (GRCh38, chr1:15,935,109, plus strand): 5'-AACACACCCCCTGTGCTGGTTCACAACCAGCTGGTCCTCACCCCAAGCATTGTCACCACA[A>G]ACAAGAAGCTTGCTGACCCCGTCACCCTTAAAATCGAGACCAAGGTCCTTCAGCCGGCCA-3'
Protein context (NP_055816.2, residues 2947-2967): LVLTPSIVTT[Asn2957Asp]KKLADPVTLK